The following is an entry in ClinVar:

ClinVar aggregate classification (germline): Uncertain significance (1 of 4 stars; one submission).

Conditions:
PGM1-congenital disorder of glycosylation. Also called: GLYCOGEN STORAGE DISEASE XIV; GSD XIV; PHOSPHOGLUCOMUTASE 1 DEFICIENCY; PGM1 DEFICIENCY; CDG It; Congenital disorder of glycosylation type 1t. Identifiers: Orphanet 319646, MedGen C2752015, MONDO:0013968, OMIM 614921.

Allele frequency attached by ClinVar (database versions not stated): gnomAD exomes below 0.00001; ExAC 0.00001.
gnomAD v4.1: 1 of 1,614,118 alleles (0.000062%); highest among the groups gnomAD compares: Non-Finnish European, 0.000085%; no homozygotes.

Submission:

Labcorp Genetics (formerly Invitae), Labcorp
Classification: Uncertain significance for PGM1-congenital disorder of glycosylation. Last evaluated: 2021-11-04. Review status: criteria provided, single submitter. Criteria: Invitae Variant Classification Sherloc (09022015). Collection method: clinical testing. Allele origin: germline.
Comment: In summary, the available evidence is currently insufficient to determine the role of this variant in disease. Therefore, it has been classified as a Variant of Uncertain Significance. Algorithms developed to predict the effect of missense changes on protein structure and function (SIFT, PolyPhen-2, Align-GVGD) all suggest that this variant is likely to be tolerated. This sequence change replaces isoleucine, which is neutral and non-polar, with valine, which is neutral and non-polar, at codon 401 of the PGM1 protein (p.Ile401Val). This variant is present in population databases (rs760318393, gnomAD 0.0009%). This variant has not been reported in the literature in individuals affected with PGM1-related conditions.

NM_002633.3(PGM1):c.1201A>G (p.Ile401Val)

Gene: PGM1 (phosphoglucomutase 1; plus strand). Cytogenetic location: 1p31.3.
Variant type: single nucleotide variant.
Coding change: c.1201A>G on transcript NM_002633.3 (MANE Select); coding-DNA position 1201, A replaced by G.
Protein change: p.Ile401Val; replaces isoleucine 401 with valine.
Molecular consequence: missense variant.
Genome position (GRCh38, 1-based): chr1:63,648,573, A>G. VCF-style: chr1-63648573-A-G. GRCh37 (hg19) VCF-style: chr1-64114244-A-G.
Other names: c.1255A>G, p.Ile419Val (NM_001172818.1); c.610A>G, p.Ile204Val (NM_001172819.2); short protein forms I401V, I204V, I419V.
Identifiers: ClinVar variation 1391286 (VCV001391286.6), dbSNP rs760318393, ClinGen allele CA889765.